The following is an entry in ClinVar:

ClinVar aggregate classification (germline): Uncertain significance (1 of 4 stars; one submission).

Conditions:
Ehlers-Danlos syndrome, type 4 (EDSVASC). Also called: Ehlers-Danlos syndrome vascular type; Ehlers Danlos syndrome, ecchymotic type; Ehlers Danlos syndrome, arterial type; Ehlers Danlos syndrome, Sack-Barabas type; Ehlers-Danlos Syndrome Type IV. Identifiers: Orphanet 286, MedGen C0268338, MONDO:0017314, OMIM 130050.

gnomAD v4.1: 1 of 1,613,556 alleles (0.000062%); highest among the groups gnomAD compares: Non-Finnish European, 0.000085%; no homozygotes.

Submission:

Labcorp Genetics (formerly Invitae), Labcorp
Classification: Uncertain significance for Ehlers-Danlos syndrome, type 4. Last evaluated: 2024-05-22. Review status: criteria provided, single submitter. Criteria: Invitae Variant Classification Sherloc (09022015). Collection method: clinical testing. Allele origin: germline.
Comment: This sequence change replaces methionine, which is neutral and non-polar, with leucine, which is neutral and non-polar, at codon 2 of the COL3A1 protein (p.Met2Leu). This variant is not present in population databases (gnomAD no frequency). This variant has not been reported in the literature in individuals affected with COL3A1-related conditions. Advanced modeling of protein sequence and biophysical properties (such as structural, functional, and spatial information, amino acid conservation, physicochemical variation, residue mobility, and thermodynamic stability) performed at Invitae indicates that this missense variant is not expected to disrupt COL3A1 protein function with a negative predictive value of 95%. Algorithms developed to predict the effect of sequence changes on RNA splicing suggest that this variant may disrupt the consensus splice site. In summary, the available evidence is currently insufficient to determine the role of this variant in disease. Therefore, it has been classified as a Variant of Uncertain Significance.

NM_000090.4(COL3A1):c.4A>T (p.Met2Leu)

Gene: COL3A1 (collagen type III alpha 1 chain; plus strand). Cytogenetic location: 2q32.2.
Variant type: single nucleotide variant.
Coding change: c.4A>T on transcript NM_000090.4 (MANE Select); coding-DNA position 4, A replaced by T.
Protein change: p.Met2Leu; replaces methionine 2 with leucine.
Molecular consequence: missense variant.
Genome position (GRCh38, 1-based): chr2:188,974,493, A>T. VCF-style: chr2-188974493-A-T. GRCh37 (hg19) VCF-style: chr2-189839219-A-T.
Other names: short protein forms M2L.
Identifiers: ClinVar variation 3681240 (VCV003681240.2).